The following is an entry in ClinVar:

NM_000553.6(WRN):c.817A>G (p.Ser273Gly)

Gene: WRN (WRN RecQ like helicase; plus strand). Cytogenetic location: 8p12.
Variant type: single nucleotide variant.
Coding change: c.817A>G on transcript NM_000553.6 (MANE Select); coding-DNA position 817, A replaced by G.
Protein change: p.Ser273Gly; replaces serine 273 with glycine.
Molecular consequence: missense variant.
Genome position (GRCh38, 1-based): chr8:31,076,265, A>G. VCF-style: chr8-31076265-A-G. GRCh37 (hg19) VCF-style: chr8-30933781-A-G.
Other names: short protein forms S273G.
Identifiers: ClinVar variation 848596 (VCV000848596.4), dbSNP rs1813090219, ClinGen allele CA370918657.

ClinVar aggregate classification (germline): Uncertain significance (1 of 4 stars; one submission).

Conditions:
Werner syndrome (WRN). Identifiers: Orphanet 902, MedGen C0043119, MONDO:0010196, OMIM 277700.

Allele frequency attached by ClinVar (database versions not stated): gnomAD 0.00001.
gnomAD v4.1: 1 of 1,613,602 alleles (0.000062%); highest among the groups gnomAD compares: Non-Finnish European, 0.000085%; no homozygotes.

Submission:

Labcorp Genetics (formerly Invitae), Labcorp
Classification: Uncertain significance for Werner syndrome. Last evaluated: 2022-03-05. Review status: criteria provided, single submitter. Criteria: Invitae Variant Classification Sherloc (09022015). Collection method: clinical testing. Allele origin: germline.
Comment: This sequence change replaces serine, which is neutral and polar, with glycine, which is neutral and non-polar, at codon 273 of the WRN protein (p.Ser273Gly). This variant is not present in population databases (gnomAD no frequency). This variant has not been reported in the literature in individuals affected with WRN-related conditions. ClinVar contains an entry for this variant (Variation ID: 848596). Algorithms developed to predict the effect of missense changes on protein structure and function output the following: SIFT: "Not Available"; PolyPhen-2: "Benign"; Align-GVGD: "Not Available". The glycine amino acid residue is found in multiple mammalian species, which suggests that this missense change does not adversely affect protein function. Algorithms developed to predict the effect of sequence changes on RNA splicing suggest that this variant may disrupt the consensus splice site. In summary, the available evidence is currently insufficient to determine the role of this variant in disease. Therefore, it has been classified as a Variant of Uncertain Significance.